The following is an entry in ClinVar:

NM_007294.4(BRCA1):c.2706A>T (p.Glu902Asp)

Gene: BRCA1 (BRCA1 DNA repair associated; minus strand). Cytogenetic location: 17q21.31.
Variant type: single nucleotide variant.
Coding change: c.2706A>T on transcript NM_007294.4 (MANE Select); coding-DNA position 2706, A replaced by T.
Protein change: p.Glu902Asp; replaces glutamic acid 902 with aspartic acid.
Molecular consequence: missense variant. On other transcripts: intron variant (137).
Genome position (GRCh38, 1-based): chr17:43,092,825, T>A on the plus strand (A>T on the coding strand, the complement: BRCA1 is on the minus strand). VCF-style: chr17-43092825-T-A. GRCh37 (hg19) VCF-style: chr17-41244842-T-A.
Other names: c.578-1793A>T (NM_001408485.1, NM_001408483.1, NM_001408514.1 and 9 more transcripts); c.662-1793A>T (NM_001408447.1, NM_001408433.1, NM_001408446.1 and 6 more transcripts); c.785-1793A>T (NM_001408400.1, NM_001408392.1, NM_001407986.1 and 13 more transcripts); c.665-1793A>T (NM_001408441.1, NM_001408437.1, NM_001408429.1 and 12 more transcripts); c.788-1793A>T (NM_001407979.1, NM_001407977.1, NM_001407982.1 and 17 more transcripts); c.647-1793A>T (NM_001408410.1, NM_001408469.1, NM_001408453.1 and 11 more transcripts); c.710-1793A>T (NM_001408415.1, NM_001408414.1, NM_001408411.1 and 2 more transcripts); c.671-1793A>T (NM_001408418.1, NM_001408423.1, NM_001408420.1 and 2 more transcripts); and 41 more; short protein forms E774D, E814D, E831D, E835D, E854D, E899D, E902D, E775D.
Identifiers: ClinVar variation 4824192 (VCV004824192.1).

ClinVar aggregate classification (germline): Uncertain significance (1 of 4 stars; one submission).

Conditions:
Hereditary cancer-predisposing syndrome. Also called: Neoplastic Syndromes, Hereditary; Hereditary neoplastic syndrome; Tumor predisposition; Hereditary Cancer Syndrome. Identifiers: Orphanet 140162, MedGen C0027672, MeSH D009386, MONDO:0015356.

Submission:

Ambry Genetics
Classification: Uncertain significance for Hereditary cancer-predisposing syndrome. Last evaluated: 2026-01-30. Review status: criteria provided, single submitter. Criteria: Ambry Variant Classification Scheme 2023. Collection method: clinical testing. Allele origin: germline.
Comment: The p.E902D variant (also known as c.2706A>T), located in coding exon 9 of the BRCA1 gene, results from an A to T substitution at nucleotide position 2706. The glutamic acid at codon 902 is replaced by aspartic acid, an amino acid with highly similar properties. This amino acid position is not well conserved in available vertebrate species. In addition, this alteration is predicted to be tolerated by in silico analysis. Based on the available evidence, the clinical significance of this variant remains unclear.